The following is an entry in ClinVar:

ClinVar aggregate classification (germline): Uncertain significance. Review status: criteria provided, multiple submitters, no conflicts (2 of 4 stars). 4 submissions from 4 submitters: Uncertain significance (3). 1 of the submissions does not count toward it. Last evaluated 2023-08-23.

Conditions:
Familial adenomatous polyposis 1 (FAP1). Also called: FAMILIAL ADENOMATOUS POLYPOSIS 1, ATTENUATED; POLYPOSIS, ADENOMATOUS INTESTINAL. Identifiers: MedGen C2713442, MONDO:0021056, OMIM 175100. Disease mechanism: loss of function.
Hereditary cancer-predisposing syndrome. Also called: Neoplastic Syndromes, Hereditary; Tumor predisposition; Hereditary Cancer Syndrome; Hereditary neoplastic syndrome. Identifiers: Orphanet 140162, MedGen C0027672, MeSH D009386, MONDO:0015356.

gnomAD v4.1: 1 of 1,614,024 alleles (0.000062%); highest among the groups gnomAD compares: Non-Finnish European, 0.000085%; no homozygotes.

Submissions (4):

Labcorp Genetics (formerly Invitae), Labcorp
Classification: Uncertain significance for Familial adenomatous polyposis 1. Last evaluated: 2023-08-23. Review status: criteria provided, single submitter. Criteria: Invitae Variant Classification Sherloc (09022015). Collection method: clinical testing. Allele origin: germline.
Comment: This sequence change replaces proline, which is neutral and non-polar, with serine, which is neutral and polar, at codon 2467 of the APC protein (p.Pro2467Ser). This variant is not present in population databases (gnomAD no frequency). Advanced modeling of protein sequence and biophysical properties (such as structural, functional, and spatial information, amino acid conservation, physicochemical variation, residue mobility, and thermodynamic stability) performed at Invitae indicates that this missense variant is not expected to disrupt APC protein function. ClinVar contains an entry for this variant (Variation ID: 926005). This variant has not been reported in the literature in individuals affected with APC-related conditions. In summary, the available evidence is currently insufficient to determine the role of this variant in disease. Therefore, it has been classified as a Variant of Uncertain Significance.

Ambry Genetics
Classification: Uncertain significance for Hereditary cancer-predisposing syndrome. Last evaluated: 2020-03-23. Review status: criteria provided, single submitter. Criteria: Ambry Variant Classification Scheme 2023. Collection method: clinical testing. Allele origin: germline.
Comment: The p.P2467S variant (also known as c.7399C>T), located in coding exon 15 of the APC gene, results from a C to T substitution at nucleotide position 7399. The proline at codon 2467 is replaced by serine, an amino acid with similar properties. This amino acid position is well conserved in available vertebrate species. In addition, in silico predictors for this gene do not accurately predict pathogenicity. Since supporting evidence is limited at this time, the clinical significance of this alteration remains unclear.

Color Diagnostics, LLC DBA Color Health
Classification: Uncertain significance for Hereditary cancer-predisposing syndrome. Last evaluated: 2019-12-05. Review status: criteria provided, single submitter. Criteria: ACMG Guidelines, 2015. Collection method: clinical testing. Allele origin: germline.
Comment: This missense variant replaces proline with serine at codon 2467 of the APC protein. Computational prediction suggests that this variant may not impact protein structure and function (internally defined REVEL score threshold <= 0.5, PMID: 27666373). Splice site prediction tools suggest that this variant may not impact RNA splicing. To our knowledge, functional studies have not been performed for this variant. This variant has not been reported in individuals affected with hereditary cancer in the literature. This variant has not been identified in the general population by the Genome Aggregation Database (gnomAD). The available evidence is insufficient to determine the role of this variant in disease conclusively. Therefore, this variant is classified as a Variant of Uncertain Significance.

Department of Pathology and Laboratory Medicine, Sinai Health System
Classification: Uncertain significance for Familial adenomatous polyposis 1. Review status: no assertion criteria provided. Collection method: clinical testing. Allele origin: unknown. Affected: yes. Study: The Canadian Open Genetics Repository (COGR). Not counted in ClinVar's aggregate classification.
Comment: The APC p.Pro2467Ser variant was not identified in the literature nor was it identified in the dbSNP, ClinVar, COGR, MutDB, LOVD 3.0, UMD-LSDB, or Zhejiang University Database. The variant was only identified in Cosmic (2x found in confirmed somatic in malignant melanoma and carcinoma). The variant was not identified in the following control databases: the 1000 Genomes Project, the NHLBI GO Exome Sequencing Project, the Exome Aggregation Consortium (August 8th 2016), or the Genome Aggregation Database (Feb 27, 2017). The p.Pro2467 residue is conserved in mammals and computational analyses (PolyPhen-2, SIFT, AlignGVGD, BLOSUM, MutationTaster) provide inconsistent predictions regarding the impact to the protein; this information is not very predictive of pathogenicity. The variant occurs outside of the splicing consensus sequence and in silico or computational prediction software programs (SpliceSiteFinder, MaxEntScan, NNSPLICE, GeneSplicer, HumanSpliceFinder) do not predict a difference in splicing. In summary, based on the above information the clinical significance of this variant cannot be determined with certainty at this time. This variant is classified as a variant of uncertain significance.

NM_000038.6(APC):c.7399C>T (p.Pro2467Ser)

Gene: APC (APC regulator of Wnt signaling pathway; plus strand). Cytogenetic location: 5q22.2.
Variant type: single nucleotide variant.
Coding change: c.7399C>T on transcript NM_000038.6 (MANE Select); coding-DNA position 7399, C replaced by T.
Protein change: p.Pro2467Ser; replaces proline 2467 with serine.
Molecular consequence: missense variant.
Genome position (GRCh38, 1-based): chr5:112,842,993, C>T. VCF-style: chr5-112842993-C-T. GRCh37 (hg19) VCF-style: chr5-112178690-C-T.
Other names: c.7399C>T, p.Pro2467Ser (NM_001127510.3, NM_001354895.2); c.7345C>T, p.Pro2449Ser (NM_001127511.3); c.7453C>T, p.Pro2485Ser (NM_001354896.2); c.7429C>T, p.Pro2477Ser (NM_001354897.2); c.7324C>T, p.Pro2442Ser (NM_001354898.2); c.7315C>T, p.Pro2439Ser (NM_001354899.2); c.7276C>T, p.Pro2426Ser (NM_001354900.2); c.7222C>T, p.Pro2408Ser (NM_001354901.2); and 5 more; short protein forms P2366S, P2439S, P2442S, P2467S, P2485S, P2307S, P2341S, P2426S.
Identifiers: ClinVar variation 926005 (VCV000926005.11), dbSNP rs372305287, ClinGen allele CA16037443.